The following is an entry in ClinVar:

NM_001048174.2(MUTYH):c.19G>T (p.Ala7Ser)

Gene: MUTYH (mutY DNA glycosylase; minus strand). Cytogenetic location: 1p34.1.
Variant type: single nucleotide variant.
Coding change: c.19G>T on transcript NM_001048174.2 (MANE Select); coding-DNA position 19, G replaced by T.
Protein change: p.Ala7Ser; replaces alanine 7 with serine.
Molecular consequence: missense variant. On other transcripts: 5 prime UTR variant (7), non-coding transcript variant (7).
Genome position (GRCh38, 1-based): chr1:45,334,487, C>A on the plus strand (G>T on the coding strand, the complement: MUTYH is on the minus strand). VCF-style: chr1-45334487-C-A. GRCh37 (hg19) VCF-style: chr1-45800159-C-A.
Other names: c.19G>T, p.Ala7Ser (NM_001048171.2, NM_001048172.2, NM_001048173.2 and 15 more transcripts); c.61G>T, p.Ala21Ser (NM_001128425.2, NM_001293190.2, NM_001407069.1 and 2 more transcripts); c.-194G>T (NM_001293192.2, NM_001293196.2, NM_001407091.1); c.-253G>T (NM_001350650.2); c.-189G>T (NM_001350651.2, NM_001407082.1); c.-138G>T (NM_001407075.1); c.37G>T, p.Ala13Ser (NM_001407087.1); short protein forms A13S, A21S, A7S.
Identifiers: ClinVar variation 4113766 (VCV004113766.1).
Genomic context (GRCh38, chr1:45,334,487, plus strand): 5'-TAGCATGCTTCTGCCTCCCTTCCTGGCTGGCTGCCTGCTTCCTGTGACCACTTCCCACGG[C>A]TGCTCGTGGCTTCCTCATGATGGCCTGAAACAAAAAGACCCAGCCAAAGCAGTCAGTCAC-3'
Protein context (NP_001041639.1, residues 1-17): MRKPRA[Ala7Ser]VGSGHRKQAA

ClinVar aggregate classification (germline): Uncertain significance (1 of 4 stars; one submission).

Conditions:
Hereditary cancer-predisposing syndrome. Also called: Hereditary neoplastic syndrome; Neoplastic Syndromes, Hereditary; Tumor predisposition; Hereditary Cancer Syndrome. Identifiers: Orphanet 140162, MedGen C0027672, MeSH D009386, MONDO:0015356.

Submission:

Ambry Genetics
Classification: Uncertain significance for Hereditary cancer-predisposing syndrome. Last evaluated: 2025-08-27. Review status: criteria provided, single submitter. Criteria: Ambry Variant Classification Scheme 2023. Collection method: clinical testing. Allele origin: germline.
Comment: The p.A21S variant (also known as c.61G>T), located in coding exon 2 of the MUTYH gene, results from a G to T substitution at nucleotide position 61. The alanine at codon 21 is replaced by serine, an amino acid with similar properties. This amino acid position is conserved. In addition, this alteration is predicted to be tolerated by in silico analysis. Based on the available evidence, the clinical significance of this variant remains unclear.